The following is an entry in ClinVar:

ClinVar aggregate classification (germline): Uncertain significance. Review status: criteria provided, multiple submitters, no conflicts (2 of 4 stars). 2 submissions from 2 submitters: Uncertain significance (2). Last evaluated 2023-03-23.

Conditions:
Periodic fever-infantile enterocolitis-autoinflammatory syndrome. Also called: Autoinflammation with infantile enterocolitis. Identifiers: Orphanet 436166, MedGen C4015067, MONDO:0014472, OMIM 616050.
Familial cold autoinflammatory syndrome 4 (FCAS4). Identifiers: Orphanet 47045, Orphanet 576349, MedGen C4015276, MONDO:0014498, OMIM 616115.

Allele frequency attached by ClinVar (database versions not stated): gnomAD exomes below 0.00001; TOPMed below 0.00001.
gnomAD v4.1: 6 of 1,614,116 alleles (0.00037%); highest among the groups gnomAD compares: Admixed American, 0.0017%; no homozygotes.

Submissions (2):

Labcorp Genetics (formerly Invitae), Labcorp
Classification: Uncertain significance for Periodic fever-infantile enterocolitis-autoinflammatory syndrome; Familial cold autoinflammatory syndrome 4. Last evaluated: 2023-03-23. Review status: criteria provided, single submitter. Criteria: Invitae Variant Classification Sherloc (09022015). Collection method: clinical testing. Allele origin: germline.
Comment: This variant is present in population databases (no rsID available, gnomAD 0.0009%). This variant has not been reported in the literature in individuals affected with NLRC4-related conditions. ClinVar contains an entry for this variant (Variation ID: 547910). Advanced modeling of protein sequence and biophysical properties (such as structural, functional, and spatial information, amino acid conservation, physicochemical variation, residue mobility, and thermodynamic stability) performed at Invitae indicates that this missense variant is not expected to disrupt NLRC4 protein function. In summary, the available evidence is currently insufficient to determine the role of this variant in disease. Therefore, it has been classified as a Variant of Uncertain Significance. This sequence change replaces arginine, which is basic and polar, with tryptophan, which is neutral and slightly polar, at codon 492 of the NLRC4 protein (p.Arg492Trp).

Mayo Clinic Laboratories, Mayo Clinic
Classification: Uncertain significance for Periodic fever-infantile enterocolitis-autoinflammatory syndrome; Familial cold autoinflammatory syndrome 4. Last evaluated: 2017-01-20. Review status: criteria provided, single submitter. Criteria: ACMG Guidelines, 2015. Collection method: clinical testing. Allele origin: paternal.

NM_001199138.2(NLRC4):c.1474C>T (p.Arg492Trp)

Gene: NLRC4 (NLR family CARD domain containing 4; minus strand). Cytogenetic location: 2p22.3.
Variant type: single nucleotide variant.
Coding change: c.1474C>T on transcript NM_001199138.2 (MANE Select); coding-DNA position 1474, C replaced by T.
Protein change: p.Arg492Trp; replaces arginine 492 with tryptophan.
Molecular consequence: missense variant. On other transcripts: intron variant (1).
Genome position (GRCh38, 1-based): chr2:32,250,390, G>A on the plus strand (C>T on the coding strand, the complement: NLRC4 is on the minus strand). VCF-style: chr2-32250390-G-A. GRCh37 (hg19) VCF-style: chr2-32475459-G-A.
Other names: c.1474C>T, p.Arg492Trp (NM_001199139.2, NM_021209.5); c.262+2029C>T (NM_001302504.1); short protein forms R492W.
Identifiers: ClinVar variation 547910 (VCV000547910.9), dbSNP rs1317272776, ClinGen allele CA346512383.